The following is an entry in ClinVar:

NM_000138.5(FBN1):c.7205-3C>G

Gene: FBN1 (fibrillin 1; minus strand). Cytogenetic location: 15q21.1.
Variant type: single nucleotide variant.
Coding change: c.7205-3C>G on transcript NM_000138.5 (MANE Select); 3 bases into the intron before coding-DNA position 7205, C replaced by G.
Molecular consequence: intron variant.
Genome position (GRCh38, 1-based): chr15:48,425,867, G>C on the plus strand (C>G on the coding strand, the complement: FBN1 is on the minus strand). VCF-style: chr15-48425867-G-C. GRCh37 (hg19) VCF-style: chr15-48718064-G-C.
Identifiers: ClinVar variation 1187201 (VCV001187201.2), dbSNP rs2141227114, ClinGen allele CA2499222966.

ClinVar aggregate classification (germline): Uncertain significance (1 of 4 stars; one submission).

Submission:

GeneDx
Classification: Uncertain significance. Last evaluated: 2021-04-19. Review status: criteria provided, single submitter. Criteria: GeneDx Variant Classification Process June 2021. Collection method: clinical testing. Allele origin: germline. Affected: yes.
Comment: Has not been previously published as pathogenic or benign to our knowledge; Not observed in large population cohorts (Lek et al., 2016); In silico analysis supports a deleterious effect on splicing